The following is an entry in ClinVar:

NM_000038.6(APC):c.5228T>G (p.Val1743Gly)

Gene: APC (APC regulator of Wnt signaling pathway; plus strand). Cytogenetic location: 5q22.2.
Variant type: single nucleotide variant.
Coding change: c.5228T>G on transcript NM_000038.6 (MANE Select); coding-DNA position 5228, T replaced by G.
Protein change: p.Val1743Gly; replaces valine 1743 with glycine.
Molecular consequence: missense variant. On other transcripts: non-coding transcript variant (2).
Genome position (GRCh38, 1-based): chr5:112,840,822, T>G. VCF-style: chr5-112840822-T-G. GRCh37 (hg19) VCF-style: chr5-112176519-T-G.
Other names: c.5228T>G, p.Val1743Gly (NM_001127510.3, NM_001354895.2, NM_001407450.1); c.5174T>G, p.Val1725Gly (NM_001127511.3); c.4748T>G, p.Val1583Gly (NM_001354905.2); c.4379T>G, p.Val1460Gly (NM_001354906.2, NM_001407470.1); c.5312T>G, p.Val1771Gly (NM_001407446.1); c.5282T>G, p.Val1761Gly (NM_001407447.1, NM_001407448.1, NM_001407449.1 and 1 more transcripts); c.5207T>G, p.Val1736Gly (NM_001407451.1); c.5198T>G, p.Val1733Gly (NM_001407452.1); and 11 more; short protein forms V1359G, V1652G, V1684G, V1736G, V1753G, V1617G, V1642G, V1702G.
Identifiers: ClinVar variation 2859341 (VCV002859341.3), dbSNP rs2149935221, ClinGen allele CA16032760.

ClinVar aggregate classification (germline): Uncertain significance (1 of 4 stars; one submission).

Conditions:
Familial adenomatous polyposis 1 (FAP1). Also called: FAMILIAL ADENOMATOUS POLYPOSIS 1, ATTENUATED; POLYPOSIS, ADENOMATOUS INTESTINAL. Identifiers: MedGen C2713442, MONDO:0021056, OMIM 175100. Disease mechanism: loss of function.

Submission:

Labcorp Genetics (formerly Invitae), Labcorp
Classification: Uncertain significance for Familial adenomatous polyposis 1. Last evaluated: 2023-04-26. Review status: criteria provided, single submitter. Criteria: Invitae Variant Classification Sherloc (09022015). Collection method: clinical testing. Allele origin: germline.
Comment: In summary, the available evidence is currently insufficient to determine the role of this variant in disease. Therefore, it has been classified as a Variant of Uncertain Significance. Advanced modeling of protein sequence and biophysical properties (such as structural, functional, and spatial information, amino acid conservation, physicochemical variation, residue mobility, and thermodynamic stability) performed at Invitae indicates that this missense variant is not expected to disrupt APC protein function. This variant has not been reported in the literature in individuals affected with APC-related conditions. This variant is not present in population databases (gnomAD no frequency). This sequence change replaces valine, which is neutral and non-polar, with glycine, which is neutral and non-polar, at codon 1743 of the APC protein (p.Val1743Gly).